The following is an entry in ClinVar:

NM_001329943.3(KIAA0586):c.143C>T (p.Ser48Phe)

Gene: KIAA0586 (KIAA0586; plus strand). Cytogenetic location: 14q23.1.
Variant type: single nucleotide variant.
Coding change: c.143C>T on transcript NM_001329943.3 (MANE Select); coding-DNA position 143, C replaced by T.
Protein change: p.Ser48Phe; replaces serine 48 with phenylalanine.
Molecular consequence: missense variant. On other transcripts: intron variant (5).
Genome position (GRCh38, 1-based): chr14:58,428,407, C>T. VCF-style: chr14-58428407-C-T. GRCh37 (hg19) VCF-style: chr14-58895125-C-T.
Other names: c.179C>T, p.Ser60Phe (NM_001244189.2); c.98C>T, p.Ser33Phe (NM_001244190.2); c.143C>T, p.Ser48Phe (NM_001329944.2, NM_001329946.2, NM_001329947.2 and 1 more transcripts); c.-57+770C>T (NM_001244192.2, NM_001244191.2); c.-57+594C>T (NM_001364701.2, NM_001329945.2, NM_001364700.1); c.143C>T (NM_014749.3); c.179C>T (NM_001244189.1); short protein forms S60F, S33F, S48F.
Identifiers: ClinVar variation 1396610 (VCV001396610.10), dbSNP rs761150154, ClinGen allele CA7205273.

ClinVar aggregate classification (germline): Uncertain significance. Review status: criteria provided, multiple submitters, no conflicts (2 of 4 stars). 4 submissions from 4 submitters: Uncertain significance (4). Last evaluated 2026-05-18.

Conditions:
KIAA0586-related disorder. Also called: KIAA0586-related condition; KIAA0586- Related disorders.
Inborn genetic diseases. Identifiers: MedGen C0950123, MeSH D030342.
Joubert syndrome 23 (JBTS23). Identifiers: Orphanet 475, MedGen C4084822, MONDO:0014664, OMIM 616490.
Short-rib thoracic dysplasia 14 with polydactyly (SRTD14). Identifiers: Orphanet 397715, MedGen C4225286, MONDO:0014688, OMIM 616546.

Allele frequency attached by ClinVar (database versions not stated): gnomAD exomes below 0.00001 and 0.00001; ExAC 0.00002; gnomAD 0.00003; 1000 Genomes Project 30x 0.00031.
gnomAD v4.1: 17 of 1,613,994 alleles (0.0011%); highest among the groups gnomAD compares: South Asian, 0.012%; no homozygotes.

Submissions (4):

GeneDx
Classification: Uncertain significance. Last evaluated: 2026-05-18. Review status: criteria provided, single submitter. Criteria: GeneDx Variant Classification Process June 2021. Collection method: clinical testing. Allele origin: germline.
Comment: Not observed at significant frequency in large population cohorts (gnomAD); In silico analysis supports that this missense variant has a deleterious effect on protein structure/function; Has not been previously published as pathogenic or benign to our knowledge

Ambry Genetics
Classification: Uncertain significance for Inborn genetic diseases. Last evaluated: 2025-10-24. Review status: criteria provided, single submitter. Criteria: Ambry Variant Classification Scheme 2023. Collection method: clinical testing. Allele origin: germline.

Labcorp Genetics (formerly Invitae), Labcorp
Classification: Uncertain significance for Joubert syndrome 23; Short-rib thoracic dysplasia 14 with polydactyly. Last evaluated: 2025-01-16. Review status: criteria provided, single submitter. Criteria: Invitae Variant Classification Sherloc (09022015). Collection method: clinical testing. Allele origin: germline.
Comment: This sequence change replaces serine, which is neutral and polar, with phenylalanine, which is neutral and non-polar, at codon 60 of the KIAA0586 protein (p.Ser60Phe). This variant is present in population databases (rs761150154, gnomAD 0.006%). This variant has not been reported in the literature in individuals affected with KIAA0586-related conditions. ClinVar contains an entry for this variant (Variation ID: 1396610). An algorithm developed to predict the effect of missense changes on protein structure and function (PolyPhen-2) suggests that this variant is likely to be disruptive. In summary, the available evidence is currently insufficient to determine the role of this variant in disease. Therefore, it has been classified as a Variant of Uncertain Significance.

PreventionGenetics, part of Exact Sciences
Classification: Uncertain significance for KIAA0586-related condition. Last evaluated: 2023-08-14. Review status: criteria provided, single submitter. Criteria: ACMG Guidelines, 2015. Collection method: clinical testing. Allele origin: germline.
Comment: The KIAA0586 c.179C>T variant is predicted to result in the amino acid substitution p.Ser60Phe. To our knowledge, this variant has not been reported in the literature. This variant is reported in 0.0056% of alleles in individuals of East Asian descent in gnomAD. Both the gnomAD data and PreventionGenetics' internal allele frequencies indicate that this variant is likely in cis with two other variants to form the complex allele p.[Ser60Phe;Thr135Ser;Asp1482Gly]. At this time, the clinical significance of this variant is uncertain, both independently and as part of the complex allele.